The following is an entry in ClinVar:

NM_003718.5(CDK13):c.595C>T (p.Arg199Cys)

Genes: CDK13 (cyclin dependent kinase 13; plus strand), LOC129998293 (ATAC-STARR-seq lymphoblastoid silent region 18116; plus strand). Cytogenetic location: 7p14.1.
Variant type: single nucleotide variant.
Coding change: c.595C>T on transcript NM_003718.5 (MANE Select); coding-DNA position 595, C replaced by T.
Protein change: p.Arg199Cys; replaces arginine 199 with cysteine.
Molecular consequence: missense variant.
Genome position (GRCh38, 1-based): chr7:39,951,236, C>T. VCF-style: chr7-39951236-C-T. GRCh37 (hg19) VCF-style: chr7-39990835-C-T.
Other names: c.595C>T, p.Arg199Cys (NM_031267.4); short protein forms R199C.
Identifiers: ClinVar variation 4224478 (VCV004224478.2).
Genomic context (GRCh38, chr7:39,951,236, plus strand): 5'-GGGAGTCCGGCCTCCTCCTCCGGCACCCAGCGGCGCGGGGAGGGGTCGGAGCGCAGGCCC[C>T]GCCGGGACCGCCGCAGCAGCAGTGGCCGCAGCAAGGAGCGCCACCGCGAGCACCGGCGGC-3'
Protein context (NP_003709.3, residues 189-209): RRGEGSERRP[Arg199Cys]RDRRSSSGRS

ClinVar aggregate classification (germline): Uncertain significance. Review status: criteria provided, multiple submitters, no conflicts (2 of 4 stars). 2 submissions from 2 submitters: Uncertain significance (2). Last evaluated 2026-01-26.

Conditions:
Inborn genetic diseases. Identifiers: MedGen C0950123, MeSH D030342.

gnomAD v4.1: 11 of 1,287,502 alleles (0.00085%); highest among the groups gnomAD compares: Admixed American, 0.0042%; no homozygotes.

Submissions (2):

Labcorp Genetics (formerly Invitae), Labcorp
Classification: Uncertain significance. Last evaluated: 2026-01-26. Review status: criteria provided, single submitter. Criteria: Invitae Variant Classification Sherloc (09022015). Collection method: clinical testing. Allele origin: germline.
Comment: This sequence change replaces arginine, which is basic and polar, with cysteine, which is neutral and slightly polar, at codon 199 of the CDK13 protein (p.Arg199Cys). This variant is present in population databases (no rsID available, gnomAD no frequency). This variant has not been reported in the literature in individuals affected with CDK13-related conditions. ClinVar contains an entry for this variant (Variation ID: 4224478). Invitae Evidence Modeling of protein sequence and biophysical properties (such as structural, functional, and spatial information, amino acid conservation, physicochemical variation, residue mobility, and thermodynamic stability) has been performed for this missense variant. However, the output from this modeling did not meet the statistical confidence thresholds required to predict the impact of this variant on CDK13 protein function. In summary, the available evidence is currently insufficient to determine the role of this variant in disease. Therefore, it has been classified as a Variant of Uncertain Significance.

Ambry Genetics
Classification: Uncertain significance for Inborn genetic diseases. Last evaluated: 2025-08-02. Review status: criteria provided, single submitter. Criteria: Ambry Variant Classification Scheme 2023. Collection method: clinical testing. Allele origin: germline.